The following is an entry in ClinVar:

ClinVar aggregate classification (germline): Likely benign. Review status: criteria provided, multiple submitters, no conflicts (2 of 4 stars). 2 submissions from 2 submitters: Likely benign (2). Last evaluated 2025-07-29.

Conditions:
Tuberous sclerosis 2 (TSC2). Identifiers: Orphanet 805, MedGen C1860707, MONDO:0013199, OMIM 613254.

Allele frequency attached by ClinVar (database versions not stated): gnomAD exomes below 0.00001.
gnomAD v4.1: 5 of 1,612,790 alleles (0.00031%); highest among the groups gnomAD compares: Non-Finnish European, 0.00034%; no homozygotes.

Submissions (2):

Labcorp Genetics (formerly Invitae), Labcorp
Classification: Likely benign for Tuberous sclerosis 2. Last evaluated: 2025-07-29. Review status: criteria provided, single submitter. Criteria: Invitae Variant Classification Sherloc (09022015). Collection method: clinical testing. Allele origin: germline.

Myriad Genetics, Inc.
Classification: Likely benign for Tuberous sclerosis 2. Last evaluated: 2025-05-29. Review status: criteria provided, single submitter. Criteria: Myriad Autosomal Dominant, Autosomal Recessive and X-Linked Classification Criteria (2023). Collection method: clinical testing. Allele origin: unknown.
Comment: This variant is considered likely benign. This variant is intronic and is not expected to impact mRNA splicing.

NM_000548.5(TSC2):c.3611-17T>C

Gene: TSC2 (TSC complex subunit 2; plus strand). Cytogenetic location: 16p13.3.
Variant type: single nucleotide variant.
Coding change: c.3611-17T>C on transcript NM_000548.5 (MANE Select); 17 bases into the intron before coding-DNA position 3611, T replaced by C.
Molecular consequence: intron variant.
Genome position (GRCh38, 1-based): chr16:2,081,578, T>C. VCF-style: chr16-2081578-T-C. GRCh37 (hg19) VCF-style: chr16-2131579-T-C.
Other names: c.3611-17T>C (NM_001114382.3); c.3482-17T>C (NM_021055.3, NM_001370405.1, NM_001363528.2); c.3479-17T>C (NM_001077183.3, NM_001370404.1); c.3371-17T>C (NM_001318827.2); c.2879-17T>C (NM_001318831.2); c.3335-17T>C (NM_001318829.2); c.3512-17T>C (NM_001318832.2).
Identifiers: ClinVar variation 1637591 (VCV001637591.9), dbSNP rs2090146202, ClinGen allele CA2202037673.